The following is an entry in ClinVar:

ClinVar aggregate classification (germline): Uncertain significance (1 of 4 stars; one submission).

Conditions:
Facioscapulohumeral muscular dystrophy 2 (FSHD2). Also called: FACIOSCAPULOHUMERAL MUSCULAR DYSTROPHY 2, DIGENIC; FSHD2, DIGENIC; MUSCULAR DYSTROPHY, FACIOSCAPULOHUMERAL, TYPE 1B. Identifiers: Orphanet 269, MedGen C1834671, MONDO:0008031, OMIM 158901.

Allele frequency attached by ClinVar (database versions not stated): gnomAD exomes below 0.00001.
gnomAD v4.1: 1 of 1,613,258 alleles (0.000062%); highest among the groups gnomAD compares: Non-Finnish European, 0.000085%; no homozygotes.

Submission:

Labcorp Genetics (formerly Invitae), Labcorp
Classification: Uncertain significance for Facioscapulohumeral muscular dystrophy 2. Last evaluated: 2018-09-06. Review status: criteria provided, single submitter. Criteria: Invitae Variant Classification Sherloc (09022015). Collection method: clinical testing. Allele origin: germline.
Comment: This sequence change replaces valine with isoleucine at codon 1481 of the SMCHD1 protein (p.Val1481Ile). The valine residue is moderately conserved and there is a small physicochemical difference between valine and isoleucine. This variant is not present in population databases (ExAC no frequency). This variant has not been reported in the literature in individuals with SMCHD1-related disease. Algorithms developed to predict the effect of missense changes on protein structure and function output the following: SIFT: "Tolerated"; PolyPhen-2: "Benign"; Align-GVGD: "Class C0". The isoleucine amino acid residue is found in multiple mammalian species, suggesting that this missense change does not adversely affect protein function. These predictions have not been confirmed by published functional studies and their clinical significance is uncertain. In summary, the available evidence is currently insufficient to determine the role of this variant in disease. Therefore, it has been classified as a Variant of Uncertain Significance.

NM_015295.3(SMCHD1):c.4441G>A (p.Val1481Ile)

Gene: SMCHD1 (structural maintenance of chromosomes flexible hinge domain containing 1; plus strand). Cytogenetic location: 18p11.32.
Variant type: single nucleotide variant.
Coding change: c.4441G>A on transcript NM_015295.3 (MANE Select); coding-DNA position 4441, G replaced by A.
Protein change: p.Val1481Ile; replaces valine 1481 with isoleucine.
Molecular consequence: missense variant.
Genome position (GRCh38, 1-based): chr18:2,762,111, G>A. VCF-style: chr18-2762111-G-A. GRCh37 (hg19) VCF-style: chr18-2762109-G-A.
Other names: short protein forms V1481I.
Identifiers: ClinVar variation 650272 (VCV000650272.8), dbSNP rs1598416020, ClinGen allele CA401694992.